The following is an entry in ClinVar:

NM_004168.4(SDHA):c.255del (p.Phe85fs)

Gene: SDHA (succinate dehydrogenase complex flavoprotein subunit A; plus strand). Cytogenetic location: 5p15.33.
Variant type: Deletion.
Coding change: c.255del on transcript NM_004168.4 (MANE Select); coding-DNA position 255, one base deleted (T; older notation c.255delT).
Protein change: p.Phe85fs; shifts the reading frame from phenylalanine 85.
Molecular consequence: frameshift variant.
Genome position (GRCh38, 1-based): chr5:224,464, T deleted; the last of 3 consecutive T bases (chr5:224,462-224,464); deleting any one gives the same sequence. VCF-style (leftmost placement, unchanged base first): chr5-224461-GT-G. GRCh37 (hg19) VCF-style: chr5-224576-GT-G.
Other names: c.255delT (NM_004168.2); c.255del, p.Phe85fs (NM_001294332.2, NM_001330758.2); short protein forms F85fs.
Identifiers: ClinVar variation 524020 (VCV000524020.5), dbSNP rs760710175, ClinGen allele CA3172756.

ClinVar aggregate classification (germline): Likely pathogenic (1 of 4 stars; one submission).

Submission:

GeneDx
Classification: Likely pathogenic. Last evaluated: 2024-12-10. Review status: criteria provided, single submitter. Criteria: GeneDx Variant Classification Process June 2021. Collection method: clinical testing. Allele origin: germline. Affected: yes.
Comment: Frameshift variant predicted to result in protein truncation or nonsense mediated decay in a gene for which loss-of-function is a known mechanism of disease; Not observed at significant frequency in large population cohorts (gnomAD); Has not been previously published as pathogenic or benign to our knowledge